The following is an entry in ClinVar:

NM_001035.3(RYR2):c.14695G>A (p.Asp4899Asn)

Gene: RYR2 (ryanodine receptor 2; plus strand). Cytogenetic location: 1q43.
Variant type: single nucleotide variant.
Coding change: c.14695G>A on transcript NM_001035.3 (MANE Select); coding-DNA position 14695, G replaced by A.
Protein change: p.Asp4899Asn; replaces aspartic acid 4899 with asparagine.
Molecular consequence: missense variant.
Genome position (GRCh38, 1-based): chr1:237,830,569, G>A. VCF-style: chr1-237830569-G-A. GRCh37 (hg19) VCF-style: chr1-237993869-G-A.
Other names: p.D4899N:GAC>AAC; c.14695G>A, p.Asp4899Asn (LRG_402t1); short protein forms D4899N.
Identifiers: ClinVar variation 201360 (VCV000201360.5), dbSNP rs794728807, ClinGen allele CA008337.

ClinVar aggregate classification (germline): Uncertain significance. Review status: criteria provided, multiple submitters, no conflicts (2 of 4 stars). 2 submissions from 2 submitters: Uncertain significance (2). Last evaluated 2024-03-26.

Conditions:
Catecholaminergic polymorphic ventricular tachycardia 1. Also called: RYR2-Related Catecholaminergic Polymorphic Ventricular Tachycardia; VENTRICULAR TACHYCARDIA, CATECHOLAMINERGIC POLYMORPHIC, 1, WITH OR WITHOUT ATRIAL DYSFUNCTION AND/OR DILATED CARDIOMYOPATHY; VENTRICULAR TACHYCARDIA, STRESS-INDUCED POLYMORPHIC 1. Identifiers: Orphanet 3286, MedGen C1631597, MONDO:0011484, OMIM 604772.

Allele frequency attached by ClinVar (database versions not stated): gnomAD exomes below 0.00001.
gnomAD v4.1: 1 of 1,611,394 alleles (0.000062%); highest among the groups gnomAD compares: Non-Finnish European, 0.000085%; no homozygotes.

Submissions (2):

Labcorp Genetics (formerly Invitae), Labcorp
Classification: Uncertain significance for Catecholaminergic polymorphic ventricular tachycardia 1. Last evaluated: 2024-03-26. Review status: criteria provided, single submitter. Criteria: Invitae Variant Classification Sherloc (09022015). Collection method: clinical testing. Allele origin: germline.
Comment: This sequence change replaces aspartic acid, which is acidic and polar, with asparagine, which is neutral and polar, at codon 4899 of the RYR2 protein (p.Asp4899Asn). This variant is not present in population databases (gnomAD no frequency). This variant has not been reported in the literature in individuals affected with RYR2-related conditions. ClinVar contains an entry for this variant (Variation ID: 201360). Advanced modeling of protein sequence and biophysical properties (such as structural, functional, and spatial information, amino acid conservation, physicochemical variation, residue mobility, and thermodynamic stability) performed at Invitae indicates that this missense variant is expected to disrupt RYR2 protein function with a positive predictive value of 95%. In summary, the available evidence is currently insufficient to determine the role of this variant in disease. Therefore, it has been classified as a Variant of Uncertain Significance.

GeneDx
Classification: Uncertain significance. Last evaluated: 2022-09-01. Review status: criteria provided, single submitter. Criteria: GeneDx Variant Classification Process June 2021. Collection method: clinical testing. Allele origin: germline. Affected: yes.
Comment: Not observed in large population cohorts (gnomAD); In silico analysis supports that this missense variant has a deleterious effect on protein structure/function; Located in one of the three hot-spot regions of the RYR2 gene, where the majority of pathogenic missense variants occur (Medeiros-Domingo et al., 2009); This variant is associated with the following publications: (PMID: 32681117)